The following is an entry in ClinVar:

NM_000059.4(BRCA2):c.6656C>G (p.Ser2219Ter)

Gene: BRCA2 (BRCA2 DNA repair associated; plus strand). Cytogenetic location: 13q13.1.
Variant type: single nucleotide variant.
Coding change: c.6656C>G on transcript NM_000059.4 (MANE Select); coding-DNA position 6656, C replaced by G.
Protein change: p.Ser2219Ter; replaces serine 2219 with a stop codon.
Molecular consequence: nonsense.
Genome position (GRCh38, 1-based): chr13:32,341,011, C>G. VCF-style: chr13-32341011-C-G. GRCh37 (hg19) VCF-style: chr13-32915148-C-G.
Other names: short protein forms S2219*.
Identifiers: ClinVar variation 52149 (VCV000052149.34), dbSNP rs80358893, ClinGen allele CA024263.

ClinVar aggregate classification (germline): Pathogenic. Review status: reviewed by expert panel (3 of 4 stars). 19 submissions from 18 submitters: Pathogenic (1). 18 of the submissions do not count toward it. Last evaluated 2016-09-08.

Conditions:
BRCA2-related disorder. Also called: BRCA2-related condition; BRCA2-related disorders. Identifiers: MedGen CN239275.
Breast-ovarian cancer, familial, susceptibility to, 2 (BROVCA2). Also called: BRCA2 Hereditary Breast and Ovarian Cancer. Identifiers: Orphanet 145, MedGen C2675520, MONDO:0012933, OMIM 612555. Disease mechanism: loss of function.
Fanconi anemia complementation group D1. Also called: BRCA2-Related Fanconi Anemia. Identifiers: Orphanet 319462, MedGen C1838457, MONDO:0011584, OMIM 605724.
Medulloblastoma (MDB). Also called: MEDULLOBLASTOMA PREDISPOSITION SYNDROME; Medulloblastoma, somatic. Identifiers: Orphanet 616, MedGen C0025149, MeSH D008527, MONDO:0007959, OMIM 155255, HP:0002885.
Pancreatic cancer, susceptibility to, 2. Identifiers: Orphanet 1333, MedGen C3150546, MONDO:0013235, OMIM 613347.
Glioma susceptibility 3 (GLM3). Also called: Glioblastoma 3. Identifiers: Orphanet 182067, Orphanet 360, MedGen C2751641, MONDO:0013093, OMIM 613029.
Wilms tumor 1 (WT1). Also called: Wilms tumor, somatic. Identifiers: Orphanet 654, MedGen CN033288, MONDO:0008679, OMIM 194070.
Familial cancer of breast. Also called: hereditary breast carcinoma; BREAST CANCER, FAMILIAL; Hereditary breast cancer. Identifiers: Orphanet 227535, MedGen C0346153, MONDO:0016419, OMIM 114480. Disease mechanism: loss of function.
Prostate cancer. Also called: Malignant tumor of prostate. Identifiers: Orphanet 1331, MedGen C0376358, MONDO:0008315, HP:0012125.
Hereditary cancer-predisposing syndrome. Also called: Hereditary Cancer Syndrome; Neoplastic Syndromes, Hereditary; Hereditary neoplastic syndrome; Tumor predisposition. Identifiers: Orphanet 140162, MedGen C0027672, MeSH D009386, MONDO:0015356.
Hereditary breast ovarian cancer syndrome. Also called: Hereditary breast and ovarian cancer syndrome; Breast and ovarian cancer; Hereditary breast and ovarian cancer syndrome (HBOC); BRCA1- and BRCA2-Associated Hereditary Breast and Ovarian Cancer; Hereditary breast and/or ovarian cancer syndrome; Hereditary breast and ovarian cancer. Identifiers: Orphanet 145, MedGen C0677776, MeSH D061325, MONDO:0003582. Disease mechanism: loss of function.
Malignant tumor of breast. Also called: Malignant breast neoplasm; Cancer breast. Identifiers: MedGen C0006142, MONDO:0007254. Disease mechanism: loss of function.

Submissions 1 to 9 of 19:

Evidence-based Network for the Interpretation of Germline Mutant Alleles (ENIGMA)
Classification: Pathogenic for Breast-ovarian cancer, familial, susceptibility to, 2. Last evaluated: 2016-09-08. Review status: reviewed by expert panel. Criteria: ENIGMA BRCA1/2 Classification Criteria (2015). Collection method: curation. Allele origin: germline.
Comment: Variant allele predicted to encode a truncated non-functional protein.

Ambry Genetics
Classification: Pathogenic for Hereditary cancer-predisposing syndrome. Last evaluated: 2025-12-16. Review status: criteria provided, single submitter. Criteria: Ambry Variant Classification Scheme 2023. Collection method: clinical testing. Allele origin: germline. Not counted in ClinVar's aggregate classification.
Comment: The p.S2219* pathogenic mutation (also known as c.6656C>G), located in coding exon 10 of the BRCA2 gene, results from a C to G substitution at nucleotide position 6656. This changes the amino acid from a serine to a stop codon within coding exon 10. This variant is considered to be rare based on population cohorts in the Genome Aggregation Database (gnomAD). This alteration is expected to result in loss of function by premature protein truncation or nonsense-mediated mRNA decay. As such, this alteration is interpreted as a disease-causing mutation.

Dasa
Classification: Pathogenic for Breast-ovarian cancer, familial, susceptibility to, 2. Last evaluated: 2025-12-09. Review status: criteria provided, single submitter. Criteria: DASA Assertion Criteria. Collection method: clinical testing. Allele origin: germline. Not counted in ClinVar's aggregate classification.
Comment: NM_000059.4(BRCA2):c.6656C>G (p.Ser2219Ter) introduces a premature termination codon predicted to result in loss of normal protein function. Loss-of-function is an established mechanism of disease for this gene. This variant has been recurrently observed in individuals with Breast-ovarian cancer, familial, susceptibility to, 2 (PMID: 16168123; PMID: 12655567; PMID: 29907814; PMID: 31209999; PMID: 30606148). The variant is present at low frequency in population datasets. Based on the available data, this variant is classified as pathogenic.

Labcorp Genetics (formerly Invitae), Labcorp
Classification: Pathogenic for Hereditary breast ovarian cancer syndrome. Last evaluated: 2025-11-24. Review status: criteria provided, single submitter. Criteria: Invitae Variant Classification Sherloc (09022015). Collection method: clinical testing. Allele origin: germline. Not counted in ClinVar's aggregate classification.
Comment: This sequence change creates a premature translational stop signal (p.Ser2219*) in the BRCA2 gene. It is expected to result in an absent or disrupted protein product. Loss-of-function variants in BRCA2 are known to be pathogenic (PMID: 20104584). This variant is not present in population databases (gnomAD no frequency). This premature translational stop signal has been observed in individual(s) with breast cancer (PMID: 12655567, 16389418, 20104584). ClinVar contains an entry for this variant (Variation ID: 52149). For these reasons, this variant has been classified as Pathogenic.

Molecular Diagnostics Laboratory, Catalan Institute of Oncology
Classification: Pathogenic for Hereditary cancer-predisposing syndrome. Last evaluated: 2025-05-08. Review status: criteria provided, single submitter. Criteria: ClinGen BRCA1BRCA2 ACMG Specifications BRCA2 V1.0.0. Collection method: clinical testing. Allele origin: germline. Not counted in ClinVar's aggregate classification.
Comment: PVS1, PM5_PTC_Strong, PM2_Supporting GV (09/05/2025): PVS1, PM5_PTC_Strong, PM2_Supporting = PAT. c.6656C>G, located in exon 11 of the BRCA2 gene, is a nonsense variant expected to result in loss of function by premature protein truncation and nonsense-mediated mRNA decay (PVS1, PM5_PTC_Strong). It is not present in the population database gnomAD v2.1.1, non-cancer dataset (PM2_Supporting). However, it has been reported in multiple hereditary breast and/or ovarian cancer-affected patients (PMID: 16389418, 29446198, 27553368, 12655567, 9150174, 38671360). The SpliceAI algorithm predicts no significant impact on splicing. To our knowledge, no functional studies have been reported for this variant. In addition, it has been reported in ClinVar (16x as pathogenic), LOVD databases (13x as pathogenic), and it is classified as pathogenic by the expert panel (ENIGMA). Based on currently available information, the variant c.6656C>G is considered a pathogenic variant according to ClinGen ENIGMA BRCA1 and BRCA2 Expert Panel Specifications to the ACMG/AMP Variant Interpretation Guidelines for BRCA2 Version 1.0.0.

Quest Diagnostics Nichols Institute San Juan Capistrano
Classification: Pathogenic. Last evaluated: 2023-12-06. Review status: criteria provided, single submitter. Criteria: Quest Diagnostics criteria. Collection method: clinical testing. Allele origin: unknown. Not counted in ClinVar's aggregate classification.
Comment: The BRCA2 c.6656C>G (p.Ser2219*) variant causes the premature termination of BRCA2 protein synthesis. This variant has been reported in the published literature in individuals affected with breast and/or ovarian cancer (PMIDs: 36119527 (2022), 29348823 (2017), 27425403 (2016), 26026974 (2015), 21120943 (2011)). This variant has not been reported in large, multi-ethnic general populations (Genome Aggregation Database). Based on the available information, this variant is classified as pathogenic.

All of Us Research Program, National Institutes of Health
Classification: Pathogenic for Breast-ovarian cancer, familial, susceptibility to, 2. Last evaluated: 2023-11-13. Review status: criteria provided, single submitter. Criteria: ACMG Guidelines, 2015. Collection method: clinical testing. Allele origin: germline. Inheritance: Autosomal dominant inheritance. Observed: 1 variant allele, 1 heterozygote. Not counted in ClinVar's aggregate classification.
Comment: The c.6656C>G (p.Ser2219*) variant in the BRCA2 gene is located on the exon 11 and introduces a premature translation termination codon (p.Ser2219*), resulting in an absent or disrupted protein product. The variant has been reported in multiple individuals with breast and/or ovarian cancer (PMID: 36119527, 30606148, 27425403, 27553368). Loss-of-function variants of BRCA2 are known to be pathogenic (PMID: 8988179, 11897832, 29446198). The variant is reported in ClinVar as pathogenic (ID: 52149) and reviewed by the expert panel. The variant is absent in the general population database (gnomAD). Therefore, the c.6656C>G (p.Ser2219*) variant of BRCA2 has been classified as pathogenic.

This study involves interpretation of variants in research participants for the purpose of population health screening. Participant phenotype was not available at the time of variant classification. Additional details can be found in publication PMID: 35346344, PMCID: PMC8962531

GeneDx
Classification: Pathogenic. Last evaluated: 2023-03-08. Review status: criteria provided, single submitter. Criteria: GeneDx Variant Classification Process June 2021. Collection method: clinical testing. Allele origin: germline. Affected: yes. Not counted in ClinVar's aggregate classification.
Comment: Nonsense variant predicted to result in protein truncation or nonsense mediated decay in a gene for which loss of function is a known mechanism of disease; Not observed at significant frequency in large population cohorts (gnomAD); Truncating variants in this gene are considered pathogenic by a well-established clinical consortium and/or database; Also known as 6884C>G; This variant is associated with the following publications: (PMID: 28918466, 20104584, 27425403, 32885271, 33754277, 25525159, 27553368, 12655567, 29348823, 26026974, 16389418, 16168123, 16758124, 29907814, 29161300, 30606148, 29446198, 35264596, 9150174, 19967274, 17063270, 21120943, 21520273, 24312913, 31209999, 32377563)

Baylor Genetics
Classification: Pathogenic for Familial cancer of breast. Last evaluated: 2022-04-25. Review status: criteria provided, single submitter. Criteria: ACMG Guidelines, 2015. Collection method: clinical testing. Allele origin: unknown. Not counted in ClinVar's aggregate classification.